The following is an entry in ClinVar:

ClinVar aggregate classification (germline): Uncertain significance (1 of 4 stars; one submission).

Conditions:
Infantile neuroaxonal dystrophy (NBIA2A). Also called: NEURODEGENERATION WITH BRAIN IRON ACCUMULATION 2A; SEITELBERGER DISEASE; Infantile neuroaxonal dystrophy 1. Identifiers: Orphanet 35069, MedGen C0270724, MONDO:0024457, OMIM 256600.

gnomAD v4.1: 1 of 1,614,064 alleles (0.000062%); highest among the groups gnomAD compares: Non-Finnish European, 0.000085%; no homozygotes.

Submission:

Labcorp Genetics (formerly Invitae), Labcorp
Classification: Uncertain significance for Infantile neuroaxonal dystrophy. Last evaluated: 2026-01-02. Review status: criteria provided, single submitter. Criteria: Invitae Variant Classification Sherloc (09022015). Collection method: clinical testing. Allele origin: germline.
Comment: This sequence change replaces proline, which is neutral and non-polar, with serine, which is neutral and polar, at codon 622 of the PLA2G6 protein (p.Pro622Ser). This variant is not present in population databases (gnomAD no frequency). This missense change has been observed in individual(s) with infantile neuroaxonal dystrophy (PMID: 34168672). In at least one individual the data is consistent with being in trans (on the opposite chromosome) from a pathogenic variant. It has also been observed to segregate with disease in related individuals. Invitae Evidence Modeling of protein sequence and biophysical properties (such as structural, functional, and spatial information, amino acid conservation, physicochemical variation, residue mobility, and thermodynamic stability) indicates that this missense variant is not expected to disrupt PLA2G6 protein function with a negative predictive value of 80%. In summary, the available evidence is currently insufficient to determine the role of this variant in disease. Therefore, it has been classified as a Variant of Uncertain Significance.

Literature cited by the submitters: PubMed 34168672.

NM_003560.4(PLA2G6):c.1864C>T (p.Pro622Ser)

Gene: PLA2G6 (phospholipase A2 group VI; minus strand). Cytogenetic location: 22q13.1.
Variant type: single nucleotide variant.
Coding change: c.1864C>T on transcript NM_003560.4 (MANE Select); coding-DNA position 1864, C replaced by T.
Protein change: p.Pro622Ser; replaces proline 622 with serine.
Molecular consequence: missense variant.
Genome position (GRCh38, 1-based): chr22:38,116,090, G>A on the plus strand (C>T on the coding strand, the complement: PLA2G6 is on the minus strand). VCF-style: chr22-38116090-G-A. GRCh37 (hg19) VCF-style: chr22-38512097-G-A.
Other names: c.1702C>T, p.Pro568Ser (NM_001004426.3, NM_001199562.3, NM_001349865.2 and 1 more transcripts); c.1864C>T, p.Pro622Ser (NM_001349864.2); c.1330C>T, p.Pro444Ser (NM_001349867.2); c.1186C>T, p.Pro396Ser (NM_001349868.2); c.1168C>T, p.Pro390Ser (NM_001349869.2); short protein forms P396S, P444S, P568S, P390S, P622S.
Identifiers: ClinVar variation 4763907 (VCV004763907.1).